The following is an entry in ClinVar:

NM_018129.4(PNPO):c.155A>C (p.His52Pro)

Gene: PNPO (pyridoxamine 5'-phosphate oxidase; plus strand). Cytogenetic location: 17q21.32.
Variant type: single nucleotide variant.
Coding change: c.155A>C on transcript NM_018129.4 (MANE Select); coding-DNA position 155, A replaced by C.
Protein change: p.His52Pro; replaces histidine 52 with proline.
Molecular consequence: missense variant.
Genome position (GRCh38, 1-based): chr17:47,943,322, A>C. VCF-style: chr17-47943322-A-C. GRCh37 (hg19) VCF-style: chr17-46020688-A-C.
Other names: short protein forms H52P.
Identifiers: ClinVar variation 546571 (VCV000546571.11), dbSNP rs141119385, ClinGen allele CA291294263.

ClinVar aggregate classification (germline): Uncertain significance. Review status: criteria provided, multiple submitters, no conflicts (2 of 4 stars). 2 submissions from 2 submitters: Uncertain significance (2). Last evaluated 2024-07-15.

Conditions:
Pyridoxal phosphate-responsive seizures (PNPOD). Also called: EPILEPTIC ENCEPHALOPATHY, NEONATAL, PNPO-RELATED; SEIZURES, PYRIDOXINE-RESISTANT, PLP-SENSITIVE; Pyridoxal 5'-Phosphate (PLP)-Dependent Epilepsy; Pyridoxamine 5-Prime-Phosphate Oxidase Deficiency; Pyridoxine-5'-phosphate oxidase deficiency. Identifiers: Orphanet 79096, MedGen C1864723, MONDO:0012407, OMIM 610090. Disease mechanism: loss of function.

Allele frequency attached by ClinVar (database versions not stated): gnomAD exomes below 0.00001 and 0.00001; gnomAD 0.00001; TOPMed 0.00001; ESP Exome Variant Server 0.00015.

Submissions (2):

Labcorp Genetics (formerly Invitae), Labcorp
Classification: Uncertain significance for Pyridoxal phosphate-responsive seizures. Last evaluated: 2024-07-15. Review status: criteria provided, single submitter. Criteria: Invitae Variant Classification Sherloc (09022015). Collection method: clinical testing. Allele origin: germline.
Comment: This sequence change replaces histidine, which is basic and polar, with proline, which is neutral and non-polar, at codon 52 of the PNPO protein (p.His52Pro). This variant is not present in population databases (gnomAD no frequency). This variant has not been reported in the literature in individuals affected with PNPO-related conditions. ClinVar contains an entry for this variant (Variation ID: 546571). Advanced modeling of protein sequence and biophysical properties (such as structural, functional, and spatial information, amino acid conservation, physicochemical variation, residue mobility, and thermodynamic stability) performed at Invitae indicates that this missense variant is not expected to disrupt PNPO protein function with a negative predictive value of 80%. In summary, the available evidence is currently insufficient to determine the role of this variant in disease. Therefore, it has been classified as a Variant of Uncertain Significance.

GeneDx
Classification: Uncertain significance. Last evaluated: 2018-06-01. Review status: criteria provided, single submitter. Criteria: GeneDx Variant Classification (06012015). Collection method: clinical testing. Allele origin: germline. Affected: yes.
Comment: A variant of uncertain significance has been identified in the PNPO gene. The H52P variant has not been published as a pathogenic variant, nor has it been reported as a benign variant to our knowledge. The H52P variant is not observed in large population cohorts (Lek et al., 2016). The H52P variant is a non-conservative amino acid substitution, which is likely to impact secondary protein structure as these residues differ in polarity, charge, size and/or other properties. In-silico analyses, including protein predictors and evolutionary conservation, support a deleterious effect. Based on the currently available information, it is unclear whether this variant is a pathogenic variant or a rare benign variant.